The following is an entry in ClinVar:

NM_201253.3(CRB1):c.3652T>G (p.Cys1218Gly)

Gene: CRB1 (crumbs cell polarity complex component 1; plus strand). Cytogenetic location: 1q31.3.
Variant type: single nucleotide variant.
Coding change: c.3652T>G on transcript NM_201253.3 (MANE Select); coding-DNA position 3652, T replaced by G.
Protein change: p.Cys1218Gly; replaces cysteine 1218 with glycine.
Molecular consequence: missense variant. On other transcripts: non-coding transcript variant (2), intron variant (1).
Genome position (GRCh38, 1-based): chr1:197,435,515, T>G. VCF-style: chr1-197435515-T-G. GRCh37 (hg19) VCF-style: chr1-197404645-T-G.
Other names: c.3316T>G, p.Cys1106Gly (NM_001193640.2); c.3580T>G, p.Cys1194Gly (NM_001257965.2); c.2129-85T>G (NM_001257966.2); c.3652T>G (NM_201253.2); short protein forms C1106G, C1194G, C1218G.
Identifiers: ClinVar variation 3028505 (VCV003028505.3), dbSNP rs968499207, ClinGen allele CA344050239.

ClinVar aggregate classification (germline): Conflicting classifications of pathogenicity. Review status: criteria provided, conflicting classifications (1 of 4 stars). 2 submissions from 2 submitters: Likely pathogenic (1); Uncertain significance (1). Last evaluated 2025-05-02.

Conditions:
Leber congenital amaurosis (LCA). Also called: Leber's amaurosis. Identifiers: Orphanet 65, MedGen C0339527, MeSH D057130, MONDO:0018998.
Retinal dystrophy. Also called: Inherited retinal dystrophy. Identifiers: Orphanet 71862, MedGen C0854723, MeSH D058499, MONDO:0019118, HP:0000556.

Allele frequency attached by ClinVar (database versions not stated): gnomAD exomes below 0.00001.
gnomAD v4.1: 1 of 1,612,260 alleles (0.000062%); highest among the groups gnomAD compares: Admixed American, 0.0017%; no homozygotes.

Submissions (2):

Natera, Inc.
Classification: Likely pathogenic for Leber congenital amaurosis. Last evaluated: 2025-05-02. Review status: criteria provided, single submitter. Criteria: Natera Variant Classification Schema (03/2026). Collection method: clinical testing. Allele origin: germline.
Comment: The c.3652T>G variant in CRB1 is a missense variant predicted to cause substitution of cysteine to glycine at amino acid 1218. This variant is rare in the general population with a frequency below the threshold expected for the associated phenotype(s). This variant has been observed in one or more individuals affected with the associated recessive disease, as either homozygous or compound heterozygous with a second variant (PMID: 36819107). A different variant at the same position has been determined to be Pathogenic or Likely Pathogenic. Computational prediction algorithms indicate this variant is likely to affect gene or protein function. Given the available evidence, this variant is classified as Likely Pathogenic.

Dept Of Ophthalmology, Nagoya University
Classification: Uncertain significance for Retinal dystrophy. Last evaluated: 2023-10-01. Review status: criteria provided, single submitter. Criteria: Submitter's publication. Collection method: research. Allele origin: germline. Affected: yes.

Literature cited by the submitters: PubMed 36819107 (cited by Natera, Inc.).